The following is an entry in ClinVar:

ClinVar aggregate classification (germline): Pathogenic/Likely pathogenic. Review status: criteria provided, multiple submitters, no conflicts (2 of 4 stars). 2 submissions from 2 submitters: Pathogenic (1); Likely pathogenic (1). Last evaluated 2026-01-23.

Conditions:
Fanconi anemia (FA). Also called: Fanconi's anemia. Identifiers: Orphanet 84, MedGen C0015625, MeSH D005199, MONDO:0019391.

Submissions (2):

Natera, Inc.
Classification: Likely pathogenic for Fanconi anemia. Last evaluated: 2026-01-23. Review status: criteria provided, single submitter. Criteria: Natera Variant Classification Schema (03/2026). Collection method: clinical testing. Allele origin: germline.
Comment: The c.2262_2263del variant in FANCA is a frameshift variant predicted to shift the reading frame beginning at codon 754 and leads to a stop codon 39 codons downstream. This variant is expected to result in nonsense mediated decay, truncation, or a dysfunctional protein product. This variant is rare in the general population with a frequency below the threshold expected for the associated phenotype(s). Given the available evidence, this variant is classified as Likely Pathogenic.

Labcorp Genetics (formerly Invitae), Labcorp
Classification: Pathogenic for Fanconi anemia. Last evaluated: 2023-09-18. Review status: criteria provided, single submitter. Criteria: Invitae Variant Classification Sherloc (09022015). Collection method: clinical testing. Allele origin: germline.
Comment: For these reasons, this variant has been classified as Pathogenic. This variant has not been reported in the literature in individuals affected with FANCA-related conditions. This variant is present in population databases (rs752839367, gnomAD 0.007%). This sequence change creates a premature translational stop signal (p.Cys754Trpfs*39) in the FANCA gene. It is expected to result in an absent or disrupted protein product. Loss-of-function variants in FANCA are known to be pathogenic (PMID: 19367192).

Literature cited by the submitters: PubMed 19367192 (cited by Labcorp Genetics (formerly Invitae), Labcorp).

NM_000135.4(FANCA):c.2262_2263del (p.Cys754fs)

Gene: FANCA (FA complementation group A; minus strand). Cytogenetic location: 16q24.3.
Variant type: Microsatellite.
Coding change: c.2262_2263del on transcript NM_000135.4 (MANE Select); coding-DNA positions 2262 to 2263, 2 bases deleted (TG; older notation c.2262_2263delTG).
Protein change: p.Cys754fs; shifts the reading frame from cysteine 754.
Molecular consequence: frameshift variant.
Genome position (GRCh38, 1-based): chr16:89,770,219-89,770,220, CA deleted on the plus strand (TG on the coding strand, the reverse complement: FANCA is on the minus strand); deleting any 2 consecutive bases within chr16:89,770,219-89,770,224 gives the same sequence; the c. name uses the placement nearest the transcript's 3' end. VCF-style (leftmost placement, unchanged base first): chr16-89770218-CCA-C. GRCh37 (hg19) VCF-style: chr16-89836626-CCA-C.
Other names: c.2262_2263del, p.Cys754fs (NM_001286167.3); c.2262_2263del (NM_000135.3); short protein forms C754fs.
Identifiers: ClinVar variation 2968944 (VCV002968944.4), dbSNP rs752839367, ClinGen allele CA8251808.